The following is an entry in ClinVar:

NM_001282531.3(ADNP):c.2320dup (p.Tyr774fs)

Gene: ADNP (activity dependent neuroprotector homeobox; minus strand). Cytogenetic location: 20q13.13.
Variant type: Duplication.
Coding change: c.2320dup on transcript NM_001282531.3 (MANE Select); coding-DNA position 2320, one base duplicated (T; older notation c.2320dupT).
Protein change: p.Tyr774fs; shifts the reading frame from tyrosine 774.
Molecular consequence: frameshift variant.
Genome position (GRCh38, 1-based): chr20:50,892,394, A duplicated on the plus strand (T on the coding strand, the reverse complement: ADNP is on the minus strand). VCF-style (leftmost placement, unchanged base first): chr20-50892393-T-TA. GRCh37 (hg19) VCF-style: chr20-49508930-T-TA.
Other names: c.2320dup, p.Tyr774fs (NM_001282532.2, NM_001347511.2, NM_015339.5 and 1 more transcripts); c.2536dup, p.Tyr846fs (NM_001439000.1); c.1636dup, p.Tyr546fs (NM_001439001.1); short protein forms Y546fs, Y774fs, Y846fs.
Identifiers: ClinVar variation 4082291 (VCV004082291.1).

ClinVar aggregate classification (germline): Likely pathogenic (1 of 4 stars; one submission).

Conditions:
ADNP-related multiple congenital anomalies - intellectual disability - autism spectrum disorder. Also called: Helsmoortel-Van der Aa Syndrome; ADNP-Related Helsmoortel-Van der Aa Syndrome. Identifiers: Orphanet 404448, MedGen C4014538, MONDO:0014379, OMIM 615873. Disease mechanism: loss of function.

Submission:

Medical Genetics Center, Maternal and Child Health Hospital of Hubei Province
Classification: Likely pathogenic for ADNP-related multiple congenital anomalies - intellectual disability - autism spectrum disorder. Last evaluated: 2021-12-03. Review status: criteria provided, single submitter. Criteria: ACMG Guidelines, 2015. Collection method: clinical testing. Allele origin: unknown. Affected: yes.
Comment: PVS1_Strong + PM2